The following is an entry in ClinVar:

ClinVar aggregate classification (germline): Uncertain significance (1 of 4 stars; one submission).

Conditions:
Hypertrophic cardiomyopathy. Also called: HYPERTROPHIC MYOCARDIOPATHY. Identifiers: Orphanet 217569, MedGen C0007194, MeSH D002312, MONDO:0005045, HP:0001639.

Submission:

Labcorp Genetics (formerly Invitae), Labcorp
Classification: Uncertain significance for Hypertrophic cardiomyopathy. Last evaluated: 2024-02-23. Review status: criteria provided, single submitter. Criteria: Invitae Variant Classification Sherloc (09022015). Collection method: clinical testing. Allele origin: germline.
Comment: This sequence change replaces proline, which is neutral and non-polar, with arginine, which is basic and polar, at codon 187 of the MYBPC3 protein (p.Pro187Arg). This variant is not present in population databases (gnomAD no frequency). This variant has not been reported in the literature in individuals affected with MYBPC3-related conditions. ClinVar contains an entry for this variant (Variation ID: 1002029). An algorithm developed to predict the effect of missense changes on protein structure and function (PolyPhen-2) suggests that this variant is likely to be disruptive. In summary, the available evidence is currently insufficient to determine the role of this variant in disease. Therefore, it has been classified as a Variant of Uncertain Significance.

NM_000256.3(MYBPC3):c.560C>G (p.Pro187Arg)

Gene: MYBPC3 (myosin binding protein C3; minus strand). Cytogenetic location: 11p11.2.
Variant type: single nucleotide variant.
Coding change: c.560C>G on transcript NM_000256.3 (MANE Select); coding-DNA position 560, C replaced by G.
Protein change: p.Pro187Arg; replaces proline 187 with arginine.
Molecular consequence: missense variant.
Genome position (GRCh38, 1-based): chr11:47,349,868, G>C on the plus strand (C>G on the coding strand, the complement: MYBPC3 is on the minus strand). VCF-style: chr11-47349868-G-C. GRCh37 (hg19) VCF-style: chr11-47371419-G-C.
Other names: short protein forms P187R.
Identifiers: ClinVar variation 1002029 (VCV001002029.10), dbSNP rs2095898553, ClinGen allele CA380337887.